The following is an entry in ClinVar:

ClinVar aggregate classification (germline): Uncertain significance (1 of 4 stars; one submission).

Conditions:
Macrocephaly-developmental delay syndrome (MRT41). Also called: INTELLECTUAL DEVELOPMENTAL DISORDER, AUTOSOMAL RECESSIVE 41. Identifiers: Orphanet 397612, MedGen C3810225, MONDO:0014289, OMIM 615637.

Allele frequency attached by ClinVar (database versions not stated): gnomAD exomes below 0.00001; gnomAD 0.00001.

Submission:

Labcorp Genetics (formerly Invitae), Labcorp
Classification: Uncertain significance for Macrocephaly-developmental delay syndrome. Last evaluated: 2022-04-23. Review status: criteria provided, single submitter. Criteria: Invitae Variant Classification Sherloc (09022015). Collection method: clinical testing. Allele origin: germline.
Comment: This variant has not been reported in the literature in individuals affected with KPTN-related conditions. In summary, the available evidence is currently insufficient to determine the role of this variant in disease. Therefore, it has been classified as a Variant of Uncertain Significance. Algorithms developed to predict the effect of missense changes on protein structure and function are either unavailable or do not agree on the potential impact of this missense change (SIFT: "Tolerated"; PolyPhen-2: "Possibly Damaging"; Align-GVGD: "Class C0"). This variant is not present in population databases (gnomAD no frequency). This sequence change replaces isoleucine, which is neutral and non-polar, with valine, which is neutral and non-polar, at codon 74 of the KPTN protein (p.Ile74Val).

NM_007059.4(KPTN):c.220A>G (p.Ile74Val)

Gene: KPTN (kaptin, actin binding protein; minus strand). Cytogenetic location: 19q13.32.
Variant type: single nucleotide variant.
Coding change: c.220A>G on transcript NM_007059.4 (MANE Select); coding-DNA position 220, A replaced by G.
Protein change: p.Ile74Val; replaces isoleucine 74 with valine.
Molecular consequence: missense variant. On other transcripts: non-coding transcript variant (1).
Genome position (GRCh38, 1-based): chr19:47,483,941, T>C on the plus strand (A>G on the coding strand, the complement: KPTN is on the minus strand). VCF-style: chr19-47483941-T-C. GRCh37 (hg19) VCF-style: chr19-47987198-T-C.
Other names: c.220A>G, p.Ile74Val (NM_001291296.2); short protein forms I74V.
Identifiers: ClinVar variation 2169749 (VCV002169749.4), dbSNP rs2122704066, ClinGen allele CA406606546.